The following is an entry in ClinVar:

NM_031942.5(CDCA7):c.232T>G (p.Ser78Ala)

Gene: CDCA7 (cell division cycle associated 7; plus strand). Cytogenetic location: 2q31.1.
Variant type: single nucleotide variant.
Coding change: c.232T>G on transcript NM_031942.5 (MANE Select); coding-DNA position 232, T replaced by G.
Protein change: p.Ser78Ala; replaces serine 78 with alanine.
Molecular consequence: missense variant. On other transcripts: intron variant (1).
Genome position (GRCh38, 1-based): chr2:173,359,339, T>G. VCF-style: chr2-173359339-T-G. GRCh37 (hg19) VCF-style: chr2-174224067-T-G.
Other names: c.147+502T>G (NM_145810.3); short protein forms S78A.
Identifiers: ClinVar variation 1916895 (VCV001916895.5), dbSNP rs781211250, ClinGen allele CA1971188.

ClinVar aggregate classification (germline): Uncertain significance. Review status: criteria provided, multiple submitters, no conflicts (2 of 4 stars). 2 submissions from 2 submitters: Uncertain significance (2). Last evaluated 2024-02-24.

Allele frequency attached by ClinVar (database versions not stated): gnomAD 0.00001; gnomAD exomes 0.00001; TOPMed 0.00001; ExAC 0.00002.
gnomAD v4.1: 18 of 1,614,084 alleles (0.0011%); highest among the groups gnomAD compares: East Asian, 0.038%; no homozygotes.

Submissions (2):

Labcorp Genetics (formerly Invitae), Labcorp
Classification: Uncertain significance. Last evaluated: 2024-02-24. Review status: criteria provided, single submitter. Criteria: Invitae Variant Classification Sherloc (09022015). Collection method: clinical testing. Allele origin: germline.
Comment: This sequence change replaces serine, which is neutral and polar, with alanine, which is neutral and non-polar, at codon 78 of the CDCA7 protein (p.Ser78Ala). This variant is present in population databases (rs781211250, gnomAD 0.06%). This variant has not been reported in the literature in individuals affected with CDCA7-related conditions. ClinVar contains an entry for this variant (Variation ID: 1916895). An algorithm developed to predict the effect of missense changes on protein structure and function (PolyPhen-2) suggests that this variant¬†is likely to be tolerated. In summary, the available evidence is currently insufficient to determine the role of this variant in disease. Therefore, it has been classified as a Variant of Uncertain Significance.

Ambry Genetics
Classification: Uncertain significance. Last evaluated: 2022-12-13. Review status: criteria provided, single submitter. Criteria: Ambry Variant Classification Scheme 2023. Collection method: clinical testing. Allele origin: germline.